The following is an entry in ClinVar:

NM_007294.4(BRCA1):c.4001G>A (p.Gly1334Asp)

Genes: BRCA1 (BRCA1 DNA repair associated; minus strand), LOC126862571 (BRD4-independent group 4 enhancer GRCh37_chr17:41243136-41244335; plus strand). Cytogenetic location: 17q21.31.
Variant type: single nucleotide variant.
Coding change: c.4001G>A on transcript NM_007294.4 (MANE Select); coding-DNA position 4001, G replaced by A.
Protein change: p.Gly1334Asp; replaces glycine 1334 with aspartic acid.
Molecular consequence: missense variant. On other transcripts: intron variant (135).
Genome position (GRCh38, 1-based): chr17:43,091,530, C>T on the plus strand (G>A on the coding strand, the complement: BRCA1 is on the minus strand). VCF-style: chr17-43091530-C-T. GRCh37 (hg19) VCF-style: chr17-41243547-C-T.
Other names: c.3788G>A, p.Gly1263Asp (NM_001407571.1, NM_001407853.1, NM_001407894.1 and 9 more transcripts); c.4001G>A, p.Gly1334Asp (NM_001407581.1, NM_001407582.1, NM_001407583.1 and 30 more transcripts); c.3998G>A, p.Gly1333Asp (NM_001407587.1, NM_001407590.1, NM_001407591.1 and 22 more transcripts); c.3992G>A, p.Gly1331Asp (NM_001407646.1, NM_001407647.1); c.3878G>A, p.Gly1293Asp (NM_001407648.1, NM_001407664.1, NM_001407665.1 and 19 more transcripts); c.3875G>A, p.Gly1292Asp (NM_001407649.1, NM_001407670.1, NM_001407671.1 and 11 more transcripts); c.3923G>A, p.Gly1308Asp (NM_001407653.1, NM_001407654.1, NM_001407655.1 and 4 more transcripts); c.3920G>A, p.Gly1307Asp (NM_001407659.1, NM_001407660.1, NM_001407661.1 and 1 more transcripts); and 41 more; short protein forms G1287D, G1334D, G1223D, G1245D, G1263D, G1264D, G1307D, G1267D.
Identifiers: ClinVar variation 1053289 (VCV001053289.13), dbSNP rs2053486938, ClinGen allele CA10593960.

ClinVar aggregate classification (germline): Conflicting classifications of pathogenicity. Review status: criteria provided, conflicting classifications (1 of 4 stars). 3 submissions from 3 submitters: Uncertain significance (2); Likely benign (1). Last evaluated 2024-06-26.

Conditions:
Breast-ovarian cancer, familial, susceptibility to, 1 (BROVCA1). Also called: BRCA1 Hereditary Breast and Ovarian Cancer; OVARIAN CANCER, SUSCEPTIBILITY TO. Identifiers: Orphanet 145, MedGen C2676676, MONDO:0011450, OMIM 604370. Disease mechanism: loss of function.
Familial cancer of breast. Also called: BREAST CANCER, FAMILIAL; Hereditary breast cancer; hereditary breast carcinoma. Identifiers: Orphanet 227535, MedGen C0346153, MONDO:0016419, OMIM 114480. Disease mechanism: loss of function.
Pancreatic cancer, susceptibility to, 4. Identifiers: Orphanet 1333, MedGen C3280442, MONDO:0013685, OMIM 614320.
Fanconi anemia, complementation group S (FANCS). Identifiers: MedGen C4554406, MONDO:0054748, OMIM 617883.
Hereditary cancer-predisposing syndrome. Also called: Tumor predisposition; Hereditary Cancer Syndrome; Hereditary neoplastic syndrome; Neoplastic Syndromes, Hereditary. Identifiers: Orphanet 140162, MedGen C0027672, MeSH D009386, MONDO:0015356.
Hereditary breast ovarian cancer syndrome. Also called: Hereditary breast and ovarian cancer syndrome; Hereditary breast and ovarian cancer syndrome (HBOC); Breast and ovarian cancer; Hereditary breast and ovarian cancer; Hereditary breast and/or ovarian cancer syndrome; BRCA1- and BRCA2-Associated Hereditary Breast and Ovarian Cancer. Identifiers: Orphanet 145, MedGen C0677776, MeSH D061325, MONDO:0003582. Disease mechanism: loss of function.

Submissions (3):

Labcorp Genetics (formerly Invitae), Labcorp
Classification: Uncertain significance for Hereditary breast ovarian cancer syndrome. Last evaluated: 2024-06-26. Review status: criteria provided, single submitter. Criteria: Invitae Variant Classification Sherloc (09022015). Collection method: clinical testing. Allele origin: germline.
Comment: This sequence change replaces glycine, which is neutral and non-polar, with aspartic acid, which is acidic and polar, at codon 1334 of the BRCA1 protein (p.Gly1334Asp). This variant is not present in population databases (gnomAD no frequency). This variant has not been reported in the literature in individuals affected with BRCA1-related conditions. ClinVar contains an entry for this variant (Variation ID: 1053289). Advanced modeling of protein sequence and biophysical properties (such as structural, functional, and spatial information, amino acid conservation, physicochemical variation, residue mobility, and thermodynamic stability) performed at Invitae indicates that this missense variant is not expected to disrupt BRCA1 protein function with a negative predictive value of 95%. In summary, the available evidence is currently insufficient to determine the role of this variant in disease. Therefore, it has been classified as a Variant of Uncertain Significance.

University of Washington Department of Laboratory Medicine, University of Washington
Classification: Likely benign for Hereditary cancer-predisposing syndrome. Last evaluated: 2023-03-23. Review status: criteria provided, single submitter. Criteria: Dines et al. (Genet Med. 2020). Collection method: curation. Allele origin: germline.
Comment: Missense variant in a coldspot region where missense variants are very unlikely to be pathogenic (PMID:31911673).

BRCA1 coldspot (exon 11 using historical exon numbering). Reclassification based on statistical prior probability

Fulgent Genetics
Classification: Uncertain significance for Familial cancer of breast; Breast-ovarian cancer, familial, susceptibility to, 1; Pancreatic cancer, susceptibility to, 4; Fanconi anemia, complementation group S. Last evaluated: 2022-05-31. Review status: criteria provided, single submitter. Criteria: ACMG Guidelines, 2015. Collection method: clinical testing. Allele origin: unknown.